The following is an entry in ClinVar:

NM_007294.3(BRCA1):c.(441+1_442-1)_(547+1_548-1)del

Gene: BRCA1 (BRCA1 DNA repair associated; minus strand).
Variant type: Deletion.
Coding change: c.(441+1_442-1)_(547+1_548-1)del on transcript NM_007294.3; a large deletion whose breakpoints are not mapped to the base.
Other names: c.(441+1_442-1)_(547+1_548-1)del (LRG_292t1).
Identifiers: ClinVar variation 584571 (VCV000584571.3).

ClinVar aggregate classification (germline): Pathogenic (1 of 4 stars; one submission).

Conditions:
Hereditary cancer-predisposing syndrome. Also called: Neoplastic Syndromes, Hereditary; Hereditary Cancer Syndrome; Tumor predisposition; Hereditary neoplastic syndrome. Identifiers: Orphanet 140162, MedGen C0027672, MeSH D009386, MONDO:0015356.

Submission:

GeneKor MSA
Classification: Pathogenic for Hereditary cancer-predisposing syndrome. Last evaluated: 2020-01-01. Review status: criteria provided, single submitter. Criteria: ACMG Guidelines, 2015. Collection method: clinical testing. Allele origin: germline.
Comment: This variant is a large genomic deletion which encompasses exon 7 of the BRCA1 gene. This deletion removes the entire exon, causing a frameshift at codon 182 of the BRCA1 protein. It is expected to result in an absent or disrupted protein product. Truncating variants in BRCA1 are known to be pathogenic (PMID: 20104584). This variant has been described in the international literature in the individuals with breast cancer (PMID:12670888) and in an individual undergoing panel testing for hereditary syndrome (PMID: 31159747).

deletion of exon 7